The following is an entry in ClinVar:

NM_014384.3(ACAD8):c.589G>T (p.Glu197Ter)

Gene: ACAD8 (acyl-CoA dehydrogenase family member 8; plus strand). Cytogenetic location: 11q25.
Variant type: single nucleotide variant.
Coding change: c.589G>T on transcript NM_014384.3 (MANE Select); coding-DNA position 589, G replaced by T.
Protein change: p.Glu197Ter; replaces glutamic acid 197 with a stop codon.
Molecular consequence: nonsense.
Genome position (GRCh38, 1-based): chr11:134,259,629, G>T. VCF-style: chr11-134259629-G-T. GRCh37 (hg19) VCF-style: chr11-134129523-G-T.
Other names: short protein forms E197*.
Identifiers: ClinVar variation 1954125 (VCV001954125.5), dbSNP rs1207482914, ClinGen allele CA383516059.

ClinVar aggregate classification (germline): Pathogenic (1 of 4 stars; one submission).

Conditions:
Deficiency of isobutyryl-CoA dehydrogenase. Also called: ACYL-CoA DEHYDROGENASE FAMILY, MEMBER 8, DEFICIENCY OF; ACAD8 DEFICIENCY; IBD DEFICIENCY. Identifiers: Orphanet 79159, MedGen C1969809, MONDO:0012648, OMIM 611283.

Allele frequency attached by ClinVar (database versions not stated): gnomAD 0.00001.
gnomAD v4.1: 1 of 1,614,090 alleles (0.000062%); highest among the groups gnomAD compares: Admixed American, 0.0017%; no homozygotes.

Submission:

Labcorp Genetics (formerly Invitae), Labcorp
Classification: Pathogenic for Deficiency of isobutyryl-CoA dehydrogenase. Last evaluated: 2022-06-15. Review status: criteria provided, single submitter. Criteria: Invitae Variant Classification Sherloc (09022015). Collection method: clinical testing. Allele origin: germline.
Comment: For these reasons, this variant has been classified as Pathogenic. This variant has not been reported in the literature in individuals affected with ACAD8-related conditions. This variant is present in population databases (no rsID available, gnomAD 0.003%). This sequence change creates a premature translational stop signal (p.Glu197*) in the ACAD8 gene. It is expected to result in an absent or disrupted protein product. Loss-of-function variants in ACAD8 are known to be pathogenic (PMID: 16857760).

Literature cited by the submitters: PubMed 16857760.